The following is an entry in ClinVar:

ClinVar aggregate classification (germline): Uncertain significance (1 of 4 stars; one submission).

gnomAD v4.1: 2 of 1,613,570 alleles (0.00012%); highest among the groups gnomAD compares: Non-Finnish European, 0.00017%; no homozygotes.

Submission:

Women's Health and Genetics/Laboratory Corporation of America, LabCorp
Classification: Uncertain significance. Last evaluated: 2024-11-21. Review status: criteria provided, single submitter. Criteria: LabCorp Variant Classification Summary - May 2015. Collection method: clinical testing. Allele origin: germline.
Comment: Variant summary: ACADM c.709G>C (p.Glu237Gln) results in a conservative amino acid change in the encoded protein sequence. Four of five in-silico tools predict a damaging effect of the variant on protein function. Several computational tools predict a significant impact on normal splicing: Three predict the variant abolishes a 3' acceptor site. However, these predictions have yet to be confirmed by functional studies. The variant was absent in 250510 control chromosomes (gnomAD). The available data on variant occurrences in the general population are insufficient to allow any conclusion about variant significance. c.709G>C has been reported in the literature in at least an individual affected with clinical features of medium chain acyl-CoA dehydrogenase deficiency (examples: Gong_2021, Li_2022). To our knowledge, no experimental evidence demonstrating an impact on protein function has been reported. The following publications have been ascertained in the context of this evaluation (PMID: 36068006, 33841490, 38061323). No submitters have cited clinical-significance assessments for this variant to ClinVar. Based on the evidence outlined above, the variant was classified as uncertain significance.

Literature cited by the submitters: PubMed 36068006; PubMed 33841490; PubMed 38061323.

NM_000016.6(ACADM):c.709G>C (p.Glu237Gln)

Gene: ACADM (acyl-CoA dehydrogenase medium chain; plus strand). Cytogenetic location: 1p31.1.
Variant type: single nucleotide variant.
Coding change: c.709G>C on transcript NM_000016.6 (MANE Select); coding-DNA position 709, G replaced by C.
Protein change: p.Glu237Gln; replaces glutamic acid 237 with glutamine.
Molecular consequence: missense variant.
Genome position (GRCh38, 1-based): chr1:75,749,419, G>C. VCF-style: chr1-75749419-G-C. GRCh37 (hg19) VCF-style: chr1-76215104-G-C.
Other names: c.721G>C, p.Glu241Gln (NM_001127328.3); c.601G>C, p.Glu201Gln (NM_001286042.2); c.808G>C, p.Glu270Gln (NM_001286043.2); c.142G>C, p.Glu48Gln (NM_001286044.2); short protein forms E201Q, E237Q, E241Q, E270Q, E48Q.
Identifiers: ClinVar variation 3629943 (VCV003629943.1).